The following is an entry in ClinVar:

NM_004525.3(LRP2):c.12243G>A (p.Glu4081=)

Gene: LRP2 (LDL receptor related protein 2; minus strand). Cytogenetic location: 2q31.1.
Variant type: single nucleotide variant.
Coding change: c.12243G>A on transcript NM_004525.3 (MANE Select); coding-DNA position 12243, G replaced by A.
Protein change: p.Glu4081=; no amino-acid change (glutamic acid 4081 retained).
Molecular consequence: synonymous variant.
Genome position (GRCh38, 1-based): chr2:169,154,512, C>T on the plus strand (G>A on the coding strand, the complement: LRP2 is on the minus strand). VCF-style: chr2-169154512-C-T. GRCh37 (hg19) VCF-style: chr2-170011022-C-T.
Identifiers: ClinVar variation 722430 (VCV000722430.12), dbSNP rs371277503, ClinGen allele CA1952857.
Genomic context (GRCh38, chr2:169,154,512, plus strand): 5'-ATACTCACTGAGGCCTATGTCCTTGGGATCCCAATCATAATCAACAGCTTGGATATATTC[C>T]TCATCTTGAAGATACTCTGAGAACCTCTCAGATGAGAGATTATATTTTCGAATTCGGACA-3'
Protein context (NP_004516.2, residues 4071-4091): SERFSEYLQD[Glu4081=]EYIQAVDYDW

ClinVar aggregate classification (germline): Likely benign. Review status: criteria provided, multiple submitters, no conflicts (2 of 4 stars). 3 submissions from 3 submitters: Likely benign (2). 1 of the submissions does not count toward it. Last evaluated 2026-01-13.

Conditions:
LRP2-related disorder. Also called: LRP2-related condition.

Allele frequency attached by ClinVar (database versions not stated): gnomAD 0.00015 and 0.00014; TOPMed 0.00015; ExAC 0.00018; ESP Exome Variant Server 0.00031; gnomAD exomes 0.00012.
gnomAD v4.1: 333 of 1,612,732 alleles (0.021%); highest among the groups gnomAD compares: Non-Finnish European, 0.025%; no homozygotes.

Submissions (3):

Labcorp Genetics (formerly Invitae), Labcorp
Classification: Likely benign. Last evaluated: 2026-01-13. Review status: criteria provided, single submitter. Criteria: Invitae Variant Classification Sherloc (09022015). Collection method: clinical testing. Allele origin: germline.

Blueprint Genetics
Classification: Likely benign. Last evaluated: 2024-11-07. Review status: criteria provided, single submitter. Criteria: ACMG Guidelines, 2015. Collection method: clinical testing. Allele origin: germline.

PreventionGenetics, part of Exact Sciences
Classification: Likely benign for LRP2-related condition. Last evaluated: 2023-10-09. Review status: no assertion criteria provided. Collection method: clinical testing. Allele origin: germline. Not counted in ClinVar's aggregate classification.
Comment: This variant is classified as likely benign based on ACMG/AMP sequence variant interpretation guidelines (Richards et al. 2015 PMID: 25741868, with internal and published modifications).